The following is an entry in ClinVar:

ClinVar aggregate classification (germline): Uncertain significance (1 of 4 stars; one submission).

Conditions:
Cardiovascular phenotype. Identifiers: MedGen CN230736.
Hereditary cancer-predisposing syndrome. Also called: Tumor predisposition; Neoplastic Syndromes, Hereditary; Hereditary Cancer Syndrome; Hereditary neoplastic syndrome. Identifiers: Orphanet 140162, MedGen C0027672, MeSH D009386, MONDO:0015356.

Submission:

Ambry Genetics
Classification: Uncertain significance for Cardiovascular phenotype; Hereditary cancer-predisposing syndrome. Last evaluated: 2025-02-21. Review status: criteria provided, single submitter. Criteria: Ambry Variant Classification Scheme 2023. Collection method: clinical testing. Allele origin: germline.
Comment: The p.R514G variant (also known as c.1540C>G), located in coding exon 14 of the LZTR1 gene, results from a C to G substitution at nucleotide position 1540. The arginine at codon 514 is replaced by glycine, an amino acid with dissimilar properties. This amino acid position is conserved. In addition, the in silico prediction for this alteration is inconclusive. Based on the available evidence, the clinical significance of this variant remains unclear.

NM_006767.4(LZTR1):c.1540C>G (p.Arg514Gly)

Gene: LZTR1 (leucine zipper like post translational regulator 1; plus strand). Cytogenetic location: 22q11.21.
Variant type: single nucleotide variant.
Coding change: c.1540C>G on transcript NM_006767.4 (MANE Select); coding-DNA position 1540, C replaced by G.
Protein change: p.Arg514Gly; replaces arginine 514 with glycine.
Molecular consequence: missense variant.
Genome position (GRCh38, 1-based): chr22:20,994,194, C>G. VCF-style: chr22-20994194-C-G. GRCh37 (hg19) VCF-style: chr22-21348483-C-G.
Other names: short protein forms R514G.
Identifiers: ClinVar variation 3869335 (VCV003869335.1).
Genomic context (GRCh38, chr22:20,994,194, plus strand): 5'-AGGGAGGCCCCCGGCGTGGCTGCTGGTGGGGCCCGGCCGCCCCTGCTGCACGTGGCCATC[C>G]GGGAGGCCGAGGCCCGGCCCTTCGAGGTGCTCATGCAGTTCCTCTACACCGACAAGATCA-3'
Protein context (NP_006758.2, residues 504-524): ARPPLLHVAI[Arg514Gly]EAEARPFEVL